The following is an entry in ClinVar:

ClinVar aggregate classification (germline): Uncertain significance (1 of 4 stars; one submission).

Conditions:
DK1-congenital disorder of glycosylation. Also called: CDG Im; DOLK-congenital disorder of glycosylation; Carbohydrate deficient glycoprotein syndrome type 1m; DK1 DEFICIENCY; DOLICHOL KINASE DEFICIENCY; DK1-CDG. Identifiers: Orphanet 91131, MedGen C1835849, MONDO:0012556, OMIM 610768.

Allele frequency attached by ClinVar (database versions not stated): gnomAD 0.00001.
gnomAD v4.1: 2 of 1,614,120 alleles (0.00012%); highest among the groups gnomAD compares: Middle Eastern, 0.016%; no homozygotes.

Submission:

Labcorp Genetics (formerly Invitae), Labcorp
Classification: Uncertain significance for DK1-congenital disorder of glycosylation. Last evaluated: 2022-11-28. Review status: criteria provided, single submitter. Criteria: Invitae Variant Classification Sherloc (09022015). Collection method: clinical testing. Allele origin: germline.
Comment: This sequence change replaces isoleucine, which is neutral and non-polar, with threonine, which is neutral and polar, at codon 343 of the DOLK protein (p.Ile343Thr). This variant is not present in population databases (gnomAD no frequency). This variant has not been reported in the literature in individuals affected with DOLK-related conditions. Advanced modeling of protein sequence and biophysical properties (such as structural, functional, and spatial information, amino acid conservation, physicochemical variation, residue mobility, and thermodynamic stability) performed at Invitae indicates that this missense variant is not expected to disrupt DOLK protein function. In summary, the available evidence is currently insufficient to determine the role of this variant in disease. Therefore, it has been classified as a Variant of Uncertain Significance.

NM_014908.4(DOLK):c.1028T>C (p.Ile343Thr)

Gene: DOLK (dolichol kinase; minus strand). Cytogenetic location: 9q34.11.
Variant type: single nucleotide variant.
Coding change: c.1028T>C on transcript NM_014908.4 (MANE Select); coding-DNA position 1028, T replaced by C.
Protein change: p.Ile343Thr; replaces isoleucine 343 with threonine.
Molecular consequence: missense variant.
Genome position (GRCh38, 1-based): chr9:128,946,276, A>G on the plus strand (T>C on the coding strand, the complement: DOLK is on the minus strand). VCF-style: chr9-128946276-A-G. GRCh37 (hg19) VCF-style: chr9-131708555-A-G.
Other names: short protein forms I343T.
Identifiers: ClinVar variation 2193852 (VCV002193852.3), dbSNP rs1564545838, ClinGen allele CA375120675.